The following is an entry in ClinVar:

NM_004958.4(MTOR):c.4802A>C (p.Glu1601Ala)

Genes: MTOR (mechanistic target of rapamycin kinase; minus strand), MTOR-AS1 (MTOR antisense RNA 1; plus strand). Cytogenetic location: 1p36.22.
Variant type: single nucleotide variant.
Coding change: c.4802A>C on transcript NM_004958.4 (MANE Select); coding-DNA position 4802, A replaced by C.
Protein change: p.Glu1601Ala; replaces glutamic acid 1601 with alanine.
Molecular consequence: missense variant. On other transcripts: non-coding transcript variant (1).
Genome position (GRCh38, 1-based): chr1:11,144,718, T>G on the plus strand (A>C on the coding strand, the complement: MTOR is on the minus strand). VCF-style: chr1-11144718-T-G. GRCh37 (hg19) VCF-style: chr1-11204775-T-G.
Other names: c.4802A>C, p.Glu1601Ala (NM_001386500.1); c.3554A>C, p.Glu1185Ala (NM_001386501.1); short protein forms E1185A, E1601A.
Identifiers: ClinVar variation 1482984 (VCV001482984.6), dbSNP rs2100506490, ClinGen allele CA338366228.

ClinVar aggregate classification (germline): Uncertain significance (1 of 4 stars; one submission).

Submission:

Labcorp Genetics (formerly Invitae), Labcorp
Classification: Uncertain significance. Last evaluated: 2022-06-05. Review status: criteria provided, single submitter. Criteria: Invitae Variant Classification Sherloc (09022015). Collection method: clinical testing. Allele origin: germline.
Comment: This sequence change replaces glutamic acid, which is acidic and polar, with alanine, which is neutral and non-polar, at codon 1601 of the MTOR protein (p.Glu1601Ala). This variant is not present in population databases (gnomAD no frequency). This variant has not been reported in the literature in individuals affected with MTOR-related conditions. ClinVar contains an entry for this variant (Variation ID: 1482984). Advanced modeling of protein sequence and biophysical properties (such as structural, functional, and spatial information, amino acid conservation, physicochemical variation, residue mobility, and thermodynamic stability) performed at Invitae indicates that this missense variant is expected to disrupt MTOR protein function. In summary, the available evidence is currently insufficient to determine the role of this variant in disease. Therefore, it has been classified as a Variant of Uncertain Significance.